The following is an entry in ClinVar:

ClinVar aggregate classification (germline): Likely benign. Review status: criteria provided, single submitter (1 of 4 stars). 2 submissions from 2 submitters: Likely benign (1). 1 of the submissions does not count toward it. Last evaluated 2023-08-10.

Conditions:
ZEB2-related disorder. Also called: ZEB2-related condition.
Mowat-Wilson syndrome (MOWS). Also called: Classic Mowat-Wilson Syndrome. Identifiers: Orphanet 2152, MedGen C1856113, MONDO:0009341, OMIM 235730.

Allele frequency attached by ClinVar (database versions not stated): TOPMed below 0.00001; ExAC 0.00002; gnomAD 0.00002; 1000 Genomes Project 30x 0.00016; 1000 Genomes Project 0.00020.
gnomAD v4.1: 16 of 1,613,952 alleles (0.00099%); highest among the groups gnomAD compares: South Asian, 0.016%; no homozygotes.

Submissions (2):

Labcorp Genetics (formerly Invitae), Labcorp
Classification: Likely benign for Mowat-Wilson syndrome. Last evaluated: 2023-08-10. Review status: criteria provided, single submitter. Criteria: Invitae Variant Classification Sherloc (09022015). Collection method: clinical testing. Allele origin: germline.

PreventionGenetics, part of Exact Sciences
Classification: Likely benign for ZEB2-related condition. Last evaluated: 2021-11-11. Review status: no assertion criteria provided. Collection method: clinical testing. Allele origin: germline. Not counted in ClinVar's aggregate classification.
Comment: This variant is classified as likely benign based on ACMG/AMP sequence variant interpretation guidelines (Richards et al. 2015 PMID: 25741868, with internal and published modifications).

NM_014795.4(ZEB2):c.2926C>T (p.Leu976=)

Gene: ZEB2 (zinc finger E-box binding homeobox 2; minus strand). Cytogenetic location: 2q22.3.
Variant type: single nucleotide variant.
Coding change: c.2926C>T on transcript NM_014795.4 (MANE Select); coding-DNA position 2926, C replaced by T.
Protein change: p.Leu976=; no amino-acid change (leucine 976 retained).
Molecular consequence: synonymous variant.
Genome position (GRCh38, 1-based): chr2:144,396,553, G>A on the plus strand (C>T on the coding strand, the complement: ZEB2 is on the minus strand). VCF-style: chr2-144396553-G-A. GRCh37 (hg19) VCF-style: chr2-145154120-G-A.
Other names: c.2854C>T, p.Leu952= (NM_001171653.2); c.2926C>T (NM_014795.3).
Identifiers: ClinVar variation 2919809 (VCV002919809.5), dbSNP rs546416431, ClinGen allele CA1898172.